The following is an entry in ClinVar:

NM_001378457.1(DMXL2):c.2851A>G (p.Ser951Gly)

Gene: DMXL2 (Dmx like 2; minus strand). Cytogenetic location: 15q21.2.
Variant type: single nucleotide variant.
Coding change: c.2851A>G on transcript NM_001378457.1 (MANE Select); coding-DNA position 2851, A replaced by G.
Protein change: p.Ser951Gly; replaces serine 951 with glycine.
Molecular consequence: missense variant. On other transcripts: non-coding transcript variant (2), intron variant (2).
Genome position (GRCh38, 1-based): chr15:51,502,947, T>C on the plus strand (A>G on the coding strand, the complement: DMXL2 is on the minus strand). VCF-style: chr15-51502947-T-C. GRCh37 (hg19) VCF-style: chr15-51795144-T-C.
Other names: c.2851A>G, p.Ser951Gly (NM_001174116.3, NM_001378458.1, NM_001378459.1 and 4 more transcripts); c.2611A>G, p.Ser871Gly (NM_001378464.1); c.2764+4187A>G (NM_001378460.1, NM_001174117.3); short protein forms S871G, S951G.
Identifiers: ClinVar variation 1996763 (VCV001996763.4), dbSNP rs148642699, ClinGen allele CA392438531.

ClinVar aggregate classification (germline): Uncertain significance (1 of 4 stars; one submission).

Submission:

Labcorp Genetics (formerly Invitae), Labcorp
Classification: Uncertain significance. Last evaluated: 2024-12-16. Review status: criteria provided, single submitter. Criteria: Invitae Variant Classification Sherloc (09022015). Collection method: clinical testing. Allele origin: germline.
Comment: This sequence change replaces serine, which is neutral and polar, with glycine, which is neutral and non-polar, at codon 951 of the DMXL2 protein (p.Ser951Gly). This variant is not present in population databases (gnomAD no frequency). This variant has not been reported in the literature in individuals affected with DMXL2-related conditions. ClinVar contains an entry for this variant (Variation ID: 1996763). An algorithm developed to predict the effect of missense changes on protein structure and function outputs the following: PolyPhen-2: "Benign". The glycine amino acid residue is found in multiple mammalian species, which suggests that this missense change does not adversely affect protein function. In summary, the available evidence is currently insufficient to determine the role of this variant in disease. Therefore, it has been classified as a Variant of Uncertain Significance.